The following is an entry in ClinVar:

NM_182746.3(MCM4):c.10C>T (p.Pro4Ser)

Genes: MCM4 (minichromosome maintenance complex component 4; plus strand), LOC130000338 (ATAC-STARR-seq lymphoblastoid silent region 19178; plus strand). Cytogenetic location: 8q11.21.
Variant type: single nucleotide variant.
Coding change: c.10C>T on transcript NM_182746.3 (MANE Select); coding-DNA position 10, C replaced by T.
Protein change: p.Pro4Ser; replaces proline 4 with serine.
Molecular consequence: missense variant.
Genome position (GRCh38, 1-based): chr8:47,961,154, C>T. VCF-style: chr8-47961154-C-T. GRCh37 (hg19) VCF-style: chr8-48873714-C-T.
Other names: c.10C>T, p.Pro4Ser (NM_005914.4); short protein forms P4S.
Identifiers: ClinVar variation 4729457 (VCV004729457.1).
Genomic context (GRCh38, chr8:47,961,154, plus strand): 5'-GAGGCGGGCCCGGCCCGAGCTTGTCCTTGTCGCGCAGGTACTCCGAGCACTATGTCGTCC[C>T]CGGCGTCGACCCCGAGCCGCCGCGGCAGCCGGCGTGGAAGGGCCACCCCCGCCCAGACGC-3'
Protein context (NP_877423.1, residues 1-14): MSS[Pro4Ser]ASTPSRRGSR

ClinVar aggregate classification (germline): Uncertain significance (1 of 4 stars; one submission).

gnomAD v4.1: 1 of 1,553,020 alleles (0.000064%); highest among the groups gnomAD compares: Non-Finnish European, 0.000086%; no homozygotes.

Submission:

Labcorp Genetics (formerly Invitae), Labcorp
Classification: Uncertain significance. Last evaluated: 2025-10-18. Review status: criteria provided, single submitter. Criteria: Invitae Variant Classification Sherloc (09022015). Collection method: clinical testing. Allele origin: germline.
Comment: This sequence change replaces proline, which is neutral and non-polar, with serine, which is neutral and polar, at codon 4 of the MCM4 protein (p.Pro4Ser). This variant is not present in population databases (gnomAD no frequency). This variant has not been reported in the literature in individuals affected with MCM4-related conditions. Experimental studies and prediction algorithms are not available or were not evaluated, and the functional significance of this variant is currently unknown. In summary, the available evidence is currently insufficient to determine the role of this variant in disease. Therefore, it has been classified as a Variant of Uncertain Significance.